The following is an entry in ClinVar:

ClinVar aggregate classification (germline): Conflicting classifications of pathogenicity. Review status: criteria provided, conflicting classifications (1 of 4 stars). 4 submissions from 4 submitters: Uncertain significance (2); Benign (1). 1 of the submissions does not count toward it. Last evaluated 2025-06-01.

Conditions:
CELSR1-related disorder. Also called: CELSR1-related condition.

Allele frequency attached by ClinVar (database versions not stated): gnomAD 0.00109 and 0.00115; gnomAD exomes 0.00116 and 0.00208; ExAC 0.00121; ESP Exome Variant Server 0.00154.
gnomAD v4.1: 3,181 of 1,613,192 alleles (0.2%); highest among the groups gnomAD compares: Non-Finnish European, 0.26%; 2 homozygotes.

Submissions (4):

CeGaT Center for Human Genetics Tuebingen
Classification: Benign. Last evaluated: 2025-06-01. Review status: criteria provided, single submitter. Criteria: CeGaT Center For Human Genetics Tuebingen Variant Classification Criteria Version 2. Collection method: clinical testing. Allele origin: germline. Affected: yes. Observed: 1 variant allele.
Comment: CELSR1: BS1, BS2

GeneDx
Classification: Uncertain significance. Last evaluated: 2022-09-13. Review status: criteria provided, single submitter. Criteria: GeneDx Variant Classification Process June 2021. Collection method: clinical testing. Allele origin: germline. Affected: yes.
Comment: In silico analysis supports that this missense variant has a deleterious effect on protein structure/function; Identified with a second variant (phase unknown) in a patient with hypoplastic left heart syndrome in the literature (Theis et al., 2022); This variant is associated with the following publications: (PMID: 35133174)

Breakthrough Genomics
Classification: Uncertain significance. Review status: criteria provided, single submitter. Criteria: ACMG Guidelines, 2015. Collection method: not provided. Allele origin: germline. Inheritance: Autosomal dominant inheritance. Affected: yes.

PreventionGenetics, part of Exact Sciences
Classification: Likely benign for CELSR1-related condition. Last evaluated: 2024-05-15. Review status: no assertion criteria provided. Collection method: clinical testing. Allele origin: germline. Not counted in ClinVar's aggregate classification.
Comment: This variant is classified as likely benign based on ACMG/AMP sequence variant interpretation guidelines (Richards et al. 2015 PMID: 25741868, with internal and published modifications).

NM_001378328.1(CELSR1):c.3230C>T (p.Thr1077Met)

Gene: CELSR1 (cadherin EGF LAG seven-pass G-type receptor 1; minus strand). Cytogenetic location: 22q13.31.
Variant type: single nucleotide variant.
Coding change: c.3230C>T on transcript NM_001378328.1 (MANE Select); coding-DNA position 3230, C replaced by T.
Protein change: p.Thr1077Met; replaces threonine 1077 with methionine.
Molecular consequence: missense variant.
Genome position (GRCh38, 1-based): chr22:46,533,941, G>A on the plus strand (C>T on the coding strand, the complement: CELSR1 is on the minus strand). VCF-style: chr22-46533941-G-A. GRCh37 (hg19) VCF-style: chr22-46929838-G-A.
Other names: c.3230C>T, p.Thr1077Met (NM_014246.4); short protein forms T1077M.
Identifiers: ClinVar variation 1195352 (VCV001195352.14), dbSNP rs142438731, ClinGen allele CA10295059.